The following is an entry in ClinVar:

ClinVar aggregate classification (germline): Uncertain significance (1 of 4 stars; one submission).

Conditions:
Malignant hyperthermia, susceptibility to, 5 (MHS5). Also called: CACNA1S-Related Malignant Hyperthermia Susceptibility. Identifiers: Orphanet 423, MedGen C1866077, MONDO:0011163, OMIM 601887.
Hypokalemic periodic paralysis, type 1. Also called: Hypokalemic Periodic Paralysis Type 1 (AD); HypoPP. Identifiers: Orphanet 681, MedGen C3714580, MONDO:0042979, OMIM 170400.

gnomAD v4.1: 2 of 1,614,206 alleles (0.00012%); highest among the groups gnomAD compares: Non-Finnish European, 0.00017%; no homozygotes.

Submission:

Labcorp Genetics (formerly Invitae), Labcorp
Classification: Uncertain significance for Hypokalemic periodic paralysis, type 1; Malignant hyperthermia, susceptibility to, 5. Last evaluated: 2024-08-12. Review status: criteria provided, single submitter. Criteria: Invitae Variant Classification Sherloc (09022015). Collection method: clinical testing. Allele origin: germline.
Comment: This sequence change replaces isoleucine, which is neutral and non-polar, with valine, which is neutral and non-polar, at codon 1024 of the CACNA1S protein (p.Ile1024Val). This variant is not present in population databases (gnomAD no frequency). This variant has not been reported in the literature in individuals affected with CACNA1S-related conditions. Advanced modeling of protein sequence and biophysical properties (such as structural, functional, and spatial information, amino acid conservation, physicochemical variation, residue mobility, and thermodynamic stability) performed at Invitae indicates that this missense variant is not expected to disrupt CACNA1S protein function with a negative predictive value of 80%. In summary, the available evidence is currently insufficient to determine the role of this variant in disease. Therefore, it has been classified as a Variant of Uncertain Significance.

NM_000069.3(CACNA1S):c.3070A>G (p.Ile1024Val)

Gene: CACNA1S (calcium voltage-gated channel subunit alpha1 S; minus strand). Cytogenetic location: 1q32.1.
Variant type: single nucleotide variant.
Coding change: c.3070A>G on transcript NM_000069.3 (MANE Select); coding-DNA position 3070, A replaced by G.
Protein change: p.Ile1024Val; replaces isoleucine 1024 with valine.
Molecular consequence: missense variant.
Genome position (GRCh38, 1-based): chr1:201,061,452, T>C on the plus strand (A>G on the coding strand, the complement: CACNA1S is on the minus strand). VCF-style: chr1-201061452-T-C. GRCh37 (hg19) VCF-style: chr1-201030580-T-C.
Other names: short protein forms I1024V.
Identifiers: ClinVar variation 3748118 (VCV003748118.2).